The following is an entry in ClinVar:

NM_014000.3(VCL):c.622+4C>T

Gene: VCL (vinculin; plus strand). Cytogenetic location: 10q22.2.
Variant type: single nucleotide variant.
Coding change: c.622+4C>T on transcript NM_014000.3 (MANE Select); 4 bases into the intron after coding-DNA position 622, C replaced by T.
Molecular consequence: intron variant.
Genome position (GRCh38, 1-based): chr10:74,072,856, C>T. VCF-style: chr10-74072856-C-T. GRCh37 (hg19) VCF-style: chr10-75832614-C-T.
Other names: c.622+4C>T (NM_003373.4).
Identifiers: ClinVar variation 166538 (VCV000166538.76), dbSNP rs201020802, ClinGen allele CA179600.
Genomic context (GRCh38, chr10:74,072,856, plus strand): 5'-TGATGTTGGTGAACTCGATGAACACCGTGAAAGAGTTGCTGCCAGTTCTCATTTCAGGTA[C>T]TTCCTGCCTGTACTTTATTTTATAGGGGGGAAAAATGTTAGCATGTTCTAAACTCTGAGG-3'

ClinVar aggregate classification (germline): Conflicting classifications of pathogenicity. Review status: criteria provided, conflicting classifications (1 of 4 stars). 13 submissions from 13 submitters: Uncertain significance (1); Benign (6); Likely benign (3). 3 of the submissions do not count toward it. Last evaluated 2026-02-02.

Conditions:
Cardiovascular phenotype. Identifiers: MedGen CN230736.
Cardiomyopathy (CMYO). Also called: Cardiomyopathies. Identifiers: Orphanet 167848, MedGen C0878544, MONDO:0004994, HP:0001638. Inheritance: Various modes of inheritance.
Dilated cardiomyopathy 1W (CMD1W). Identifiers: Orphanet 154, MedGen C1969639, MONDO:0012667, OMIM 611407.

Allele frequency attached by ClinVar (database versions not stated): 1000 Genomes Project 30x 0.00094; 1000 Genomes Project 0.00100; TOPMed 0.00156; ESP Exome Variant Server 0.00208.
gnomAD v4.1: 479 of 1,613,970 alleles (0.03%); highest among the groups gnomAD compares: African/African-American, 0.52%; 3 homozygotes.

Submissions (13):

Labcorp Genetics (formerly Invitae), Labcorp
Classification: Benign for Dilated cardiomyopathy 1W. Last evaluated: 2026-02-02. Review status: criteria provided, single submitter. Criteria: Invitae Variant Classification Sherloc (09022015). Collection method: clinical testing. Allele origin: germline.

ARUP Laboratories, Molecular Genetics and Genomics, ARUP Laboratories
Classification: Benign. Last evaluated: 2025-07-10. Review status: criteria provided, single submitter. Criteria: ARUP Molecular Germline Variant Investigation Process 2024. Collection method: clinical testing. Allele origin: germline.

Molecular Diagnostic Laboratory for Inherited Cardiovascular Disease, Montreal Heart Institute
Classification: Likely benign. Last evaluated: 2025-04-09. Review status: criteria provided, single submitter. Criteria: ACMG Guidelines, 2015. Collection method: clinical testing. Allele origin: germline. Affected: no.
Comment: BS1;BP6

Blueprint Genetics
Classification: Likely benign. Last evaluated: 2024-08-29. Review status: criteria provided, single submitter. Criteria: ACMG Guidelines, 2015. Collection method: clinical testing. Allele origin: germline.

CHEO Genetics Diagnostic Laboratory, Children's Hospital of Eastern Ontario
Classification: Benign for Cardiomyopathy. Last evaluated: 2023-04-24. Review status: criteria provided, single submitter. Criteria: ACMG Guidelines, 2015. Collection method: clinical testing. Allele origin: germline.

Women's Health and Genetics/Laboratory Corporation of America, LabCorp
Classification: Benign. Last evaluated: 2023-01-29. Review status: criteria provided, single submitter. Criteria: LabCorp Variant Classification Summary - May 2015. Collection method: clinical testing. Allele origin: germline.

Ambry Genetics
Classification: Likely benign for Cardiovascular phenotype. Last evaluated: 2018-04-02. Review status: criteria provided, single submitter. Criteria: Ambry Variant Classification Scheme 2023. Collection method: clinical testing. Allele origin: germline.

Illumina Laboratory Services, Illumina
Classification: Uncertain significance for Dilated cardiomyopathy 1W. Last evaluated: 2018-01-13. Review status: criteria provided, single submitter. Criteria: ICSL Variant Classification Criteria 13 December 2019. Collection method: clinical testing. Allele origin: germline.

Laboratory for Molecular Medicine, Mass General Brigham Personalized Medicine
Classification: Benign. Last evaluated: 2017-10-23. Review status: criteria provided, single submitter. Criteria: LMM Criteria. Collection method: clinical testing. Allele origin: germline. Observed: 7 variant alleles.
Comment: c.622+4C>T in intron 5 of VCL: This variant is not expected to have clinical sig nificance because it has been identified in 0.6% (148/24030) of African chromoso mes by the Genome Aggregation Database (gnomAD ). BA1

GeneDx
Classification: Benign. Last evaluated: 2015-06-17. Review status: criteria provided, single submitter. Criteria: GeneDx Variant Classification (06012015). Collection method: clinical testing. Allele origin: germline. Affected: yes.
Comment: This variant is considered likely benign or benign based on one or more of the following criteria: it is a conservative change, it occurs at a poorly conserved position in the protein, it is predicted to be benign by multiple in silico algorithms, and/or has population frequency not consistent with disease.

Clinical Genetics DNA and cytogenetics Diagnostics Lab, Erasmus MC, Erasmus Medical Center
Classification: Likely benign. Review status: no assertion criteria provided. Collection method: clinical testing. Allele origin: germline. Affected: yes. Study: VKGL Data-share Consensus. Not counted in ClinVar's aggregate classification.

Clinical Genetics, Academic Medical Center
Classification: Benign. Review status: no assertion criteria provided. Collection method: clinical testing. Allele origin: germline. Affected: yes. Study: VKGL Data-share Consensus. Not counted in ClinVar's aggregate classification.

Genome Diagnostics Laboratory, University Medical Center Utrecht
Classification: Likely benign. Review status: no assertion criteria provided. Collection method: clinical testing. Allele origin: germline. Affected: yes. Study: VKGL Data-share Consensus. Not counted in ClinVar's aggregate classification.